The following is an entry in ClinVar:

ClinVar aggregate classification (germline): Uncertain significance (1 of 4 stars; one submission).

Allele frequency attached by ClinVar (database versions not stated): gnomAD 0.00003; TOPMed 0.00003.
gnomAD v4.1: 94 of 1,614,128 alleles (0.0058%); highest among the groups gnomAD compares: Non-Finnish European, 0.0069%; no homozygotes.

Submission:

Labcorp Genetics (formerly Invitae), Labcorp
Classification: Uncertain significance. Last evaluated: 2022-05-20. Review status: criteria provided, single submitter. Criteria: Invitae Variant Classification Sherloc (09022015). Collection method: clinical testing. Allele origin: germline.
Comment: This sequence change replaces arginine, which is basic and polar, with histidine, which is basic and polar, at codon 1515 of the FREM2 protein (p.Arg1515His). This variant is present in population databases (rs748397695, gnomAD 0.006%). This variant has not been reported in the literature in individuals affected with FREM2-related conditions. Algorithms developed to predict the effect of missense changes on protein structure and function output the following: SIFT: "Tolerated"; PolyPhen-2: "Benign"; Align-GVGD: "Class C0". The histidine amino acid residue is found in multiple mammalian species, which suggests that this missense change does not adversely affect protein function. In summary, the available evidence is currently insufficient to determine the role of this variant in disease. Therefore, it has been classified as a Variant of Uncertain Significance.

NM_207361.6(FREM2):c.4544G>A (p.Arg1515His)

Gene: FREM2 (FRAS1 related extracellular matrix 2; plus strand). Cytogenetic location: 13q13.3.
Variant type: single nucleotide variant.
Coding change: c.4544G>A on transcript NM_207361.6 (MANE Select); coding-DNA position 4544, G replaced by A.
Protein change: p.Arg1515His; replaces arginine 1515 with histidine.
Molecular consequence: missense variant.
Genome position (GRCh38, 1-based): chr13:38,691,888, G>A. VCF-style: chr13-38691888-G-A. GRCh37 (hg19) VCF-style: chr13-39266025-G-A.
Other names: short protein forms R1515H.
Identifiers: ClinVar variation 2183391 (VCV002183391.1), dbSNP rs748397695, ClinGen allele CA6955012.